The following is an entry in ClinVar:

ClinVar aggregate classification (germline): Likely pathogenic (1 of 4 stars; one submission).

Conditions:
KIF1A related neurological disorder. Identifiers: MedGen CN312623, MONDO:0700055.

gnomAD v4.1: 1 of 1,591,212 alleles (0.000063%); highest among the groups gnomAD compares: Non-Finnish European, 0.000086%; no homozygotes.

Submission:

Victorian Clinical Genetics Services, Murdoch Childrens Research Institute
Classification: Likely pathogenic for KIF1A related neurological disorder. Last evaluated: 2025-05-02. Review status: criteria provided, single submitter. Criteria: ACMG Guidelines, 2015. Collection method: clinical testing. Allele origin: germline. Affected: yes.
Comment: This variant is classified as Likely pathogenic. Evidence in support of pathogenic classification: Variant is present in gnomAD <0.01 (v4: 1 heterozygote(s), 0 homozygote(s)); Other missense variant(s) comparable to the one identified in this case have moderate previous evidence for pathogenicity. Changes to serine, aspartic acid and valine have been classified as likely pathogenic in ClinVar and LOVD; Variant is located in a hotspot region or cluster of PATHOGENIC variants (DECIPHER); Missense variant predicted to be damaging by in silico tool(s) or highly conserved with a major amino acid change; Strong phenotype match for this individual. Additional information: Variant is predicted to result in a missense amino acid change from alanine to proline; This variant is heterozygous; This gene is known to be associated with both recessive and dominant disease. Genotype-phenotype correlation is currently unestablished. Missense variants tend to cluster within the kinesin motor domain and have been reported for both SPG30 and NESCAV syndrome. Only the correlation for HSAN2 (MIM#614213) is established with all patients except for one, carrying null variants outside the motor domain (PMID: 32737135); This variant has no previous evidence of pathogenicity; No published segregation evidence has been identified for this variant; No published functional evidence has been identified for this variant; Dominant negative, loss of function and gain of function are known mechanisms of disease in this gene. Dominant negative effect has been shown to cause NESCAV syndrome (MIM#614255; OMIM). Both loss and gain of function mechanisms have been reported for variants causing spastic paraplegia (MIM#610357, MIM#620607) and hereditary sensory and autonomic neuropathy type IIC (HSAN2C; MIM#614213) (PMIDs: 31488895, 31455732); Inheritance information for this variant is not currently available in this individual.

Literature cited by the submitters: PubMed 32737135; PubMed 31488895; PubMed 31455732.

NM_001244008.2(KIF1A):c.748G>C (p.Ala250Pro)

Gene: KIF1A (kinesin family member 1A; minus strand). Cytogenetic location: 2q37.3.
Variant type: single nucleotide variant.
Coding change: c.748G>C on transcript NM_001244008.2 (MANE Select); coding-DNA position 748, G replaced by C.
Protein change: p.Ala250Pro; replaces alanine 250 with proline.
Molecular consequence: missense variant.
Genome position (GRCh38, 1-based): chr2:240,783,789, C>G on the plus strand (G>C on the coding strand, the complement: KIF1A is on the minus strand). VCF-style: chr2-240783789-C-G. GRCh37 (hg19) VCF-style: chr2-241723206-C-G.
Other names: c.748G>C, p.Ala250Pro (NM_001379641.1, NM_001379642.1, NM_001379645.1 and 20 more transcripts); short protein forms A250P.
Identifiers: ClinVar variation 4531852 (VCV004531852.1).